The following is an entry in ClinVar:

NM_001378964.1(CDON):c.3004C>G (p.Pro1002Ala)

Gene: CDON (cell adhesion associated, oncogene regulated; minus strand). Cytogenetic location: 11q24.2.
Variant type: single nucleotide variant.
Coding change: c.3004C>G on transcript NM_001378964.1 (MANE Select); coding-DNA position 3004, C replaced by G.
Protein change: p.Pro1002Ala; replaces proline 1002 with alanine.
Molecular consequence: missense variant.
Genome position (GRCh38, 1-based): chr11:125,981,321, G>C on the plus strand (C>G on the coding strand, the complement: CDON is on the minus strand). VCF-style: chr11-125981321-G-C. GRCh37 (hg19) VCF-style: chr11-125851216-G-C.
Other names: c.3004C>G, p.Pro1002Ala (NM_001243597.3, NM_016952.6); short protein forms P1002A.
Identifiers: ClinVar variation 1303531 (VCV001303531.2), dbSNP rs1169452825, ClinGen allele CA383200349.

ClinVar aggregate classification (germline): Uncertain significance (1 of 4 stars; one submission).

Allele frequency attached by ClinVar (database versions not stated): gnomAD exomes below 0.00001.
gnomAD v4.1: 1 of 1,612,732 alleles (0.000062%); highest among the groups gnomAD compares: South Asian, 0.0011%; no homozygotes.

Submission:

GeneDx
Classification: Uncertain significance. Last evaluated: 2021-02-20. Review status: criteria provided, single submitter. Criteria: GeneDx Variant Classification Process June 2021. Collection method: clinical testing. Allele origin: germline. Affected: yes.
Comment: Not observed at a significant frequency in large population cohorts (Lek et al., 2016); In silico analysis supports that this missense variant has a deleterious effect on protein structure/function; Has not been previously published as pathogenic or benign to our knowledge